The following is an entry in ClinVar:

ClinVar aggregate classification (germline): Pathogenic/Likely pathogenic. Review status: criteria provided, multiple submitters, no conflicts (2 of 4 stars). 5 submissions from 5 submitters: Pathogenic (3); Likely pathogenic (2). Last evaluated 2024-03-09.

Conditions:
Osteogenesis imperfecta type 8 (OI8). Identifiers: MedGen C1970458, MONDO:0012581, OMIM 610915.

Allele frequency attached by ClinVar (database versions not stated): gnomAD exomes below 0.00001; TOPMed 0.00001.
gnomAD v4.1: 4 of 1,614,010 alleles (0.00025%); highest among the groups gnomAD compares: Admixed American, 0.0033%; no homozygotes.

Submissions (5):

Fulgent Genetics
Classification: Pathogenic for Osteogenesis imperfecta type 8. Last evaluated: 2024-03-09. Review status: criteria provided, single submitter. Criteria: ACMG Guidelines, 2015. Collection method: clinical testing. Allele origin: germline.

Labcorp Genetics (formerly Invitae), Labcorp
Classification: Pathogenic for Osteogenesis imperfecta type 8. Last evaluated: 2023-11-19. Review status: criteria provided, single submitter. Criteria: Invitae Variant Classification Sherloc (09022015). Collection method: clinical testing. Allele origin: germline.
Comment: This sequence change creates a premature translational stop signal (p.Glu374*) in the P3H1 gene. It is expected to result in an absent or disrupted protein product. Loss-of-function variants in P3H1 are known to be pathogenic (PMID: 17277775, 18566967, 19088120, 22281939). This variant is present in population databases (rs140468248, gnomAD 0.006%). This premature translational stop signal has been observed in individual(s) with osteogenesis imperfecta (PMID: 24498616). ClinVar contains an entry for this variant (Variation ID: 291047). For these reasons, this variant has been classified as Pathogenic.

Genome-Nilou Lab
Classification: Likely pathogenic for Osteogenesis imperfecta type 8. Last evaluated: 2023-04-11. Review status: criteria provided, single submitter. Criteria: ACMG Guidelines, 2015. Collection method: clinical testing. Allele origin: germline. Affected: no.

GeneDx
Classification: Likely pathogenic. Last evaluated: 2022-08-30. Review status: criteria provided, single submitter. Criteria: GeneDx Variant Classification Process June 2021. Collection method: clinical testing. Allele origin: germline. Affected: yes.
Comment: Nonsense variant predicted to result in protein truncation or nonsense mediated decay in a gene for which loss of function is a known mechanism of disease; This variant is associated with the following publications: (PMID: 24498616)

Eurofins Ntd Llc (ga)
Classification: Pathogenic. Last evaluated: 2016-09-22. Review status: criteria provided, single submitter. Criteria: EGL Classification Definitions 2015. Collection method: clinical testing. Allele origin: germline. Observed: 1 variant allele, 1 heterozygote.

Literature cited by the submitters: PubMed 17277775 (cited by Labcorp Genetics (formerly Invitae), Labcorp); PubMed 18566967 (cited by Labcorp Genetics (formerly Invitae), Labcorp); PubMed 19088120 (cited by Labcorp Genetics (formerly Invitae), Labcorp); PubMed 22281939 (cited by Labcorp Genetics (formerly Invitae), Labcorp); PubMed 24498616 (cited by Labcorp Genetics (formerly Invitae), Labcorp).

NM_022356.4(P3H1):c.1120G>T (p.Glu374Ter)

Gene: P3H1 (prolyl 3-hydroxylase 1; minus strand). Cytogenetic location: 1p34.2.
Variant type: single nucleotide variant.
Coding change: c.1120G>T on transcript NM_022356.4 (MANE Select); coding-DNA position 1120, G replaced by T.
Protein change: p.Glu374Ter; replaces glutamic acid 374 with a stop codon.
Molecular consequence: nonsense.
Genome position (GRCh38, 1-based): chr1:42,755,598, C>A on the plus strand (G>T on the coding strand, the complement: P3H1 is on the minus strand). VCF-style: chr1-42755598-C-A. GRCh37 (hg19) VCF-style: chr1-43221269-C-A.
Other names: c.1120G>T, p.Glu374Ter (NM_001146289.2, NM_001243246.2); c.1120G>T (NM_022356.3); short protein forms E374*.
Identifiers: ClinVar variation 291047 (VCV000291047.11), dbSNP rs140468248, ClinGen allele CA801964.